The following is an entry in ClinVar:

ClinVar aggregate classification (germline): Uncertain significance. Review status: criteria provided, multiple submitters, no conflicts (2 of 4 stars). 3 submissions from 3 submitters: Uncertain significance (3). Last evaluated 2025-12-13.

Conditions:
Inborn genetic diseases. Identifiers: MedGen C0950123, MeSH D030342.
Pseudohypoaldosteronism type 2B (PHA2B). Also called: Pseudohypoaldosteronism Type IIB. Identifiers: Orphanet 757, Orphanet 88939, MedGen C1840390, MONDO:0013777, OMIM 614491.

gnomAD v4.1: 33 of 1,612,306 alleles (0.002%); highest among the groups gnomAD compares: East Asian, 0.011%; no homozygotes.

Submissions (3):

Labcorp Genetics (formerly Invitae), Labcorp
Classification: Uncertain significance. Last evaluated: 2025-12-13. Review status: criteria provided, single submitter. Criteria: Invitae Variant Classification Sherloc (09022015). Collection method: clinical testing. Allele origin: germline.
Comment: This sequence change replaces glycine, which is neutral and non-polar, with serine, which is neutral and polar, at codon 593 of the WNK4 protein (p.Gly593Ser). This variant is present in population databases (rs746803815, gnomAD 0.02%). This variant has not been reported in the literature in individuals affected with WNK4-related conditions. ClinVar contains an entry for this variant (Variation ID: 3582022). Invitae Evidence Modeling of protein sequence and biophysical properties (such as structural, functional, and spatial information, amino acid conservation, physicochemical variation, residue mobility, and thermodynamic stability) indicates that this missense variant is not expected to disrupt WNK4 protein function with a negative predictive value of 95%. In summary, the available evidence is currently insufficient to determine the role of this variant in disease. Therefore, it has been classified as a Variant of Uncertain Significance.

Ambry Genetics
Classification: Uncertain significance for Inborn genetic diseases. Last evaluated: 2025-12-02. Review status: criteria provided, single submitter. Criteria: Ambry Variant Classification Scheme 2023. Collection method: clinical testing. Allele origin: germline.

Fulgent Genetics
Classification: Uncertain significance for Pseudohypoaldosteronism type 2B. Last evaluated: 2024-01-14. Review status: criteria provided, single submitter. Criteria: ACMG Guidelines, 2015. Collection method: clinical testing. Allele origin: germline.

NM_032387.5(WNK4):c.1777G>A (p.Gly593Ser)

Gene: WNK4 (WNK lysine deficient protein kinase 4; plus strand). Cytogenetic location: 17q21.2.
Variant type: single nucleotide variant.
Coding change: c.1777G>A on transcript NM_032387.5 (MANE Select); coding-DNA position 1777, G replaced by A.
Protein change: p.Gly593Ser; replaces glycine 593 with serine.
Molecular consequence: missense variant.
Genome position (GRCh38, 1-based): chr17:42,787,813, G>A. VCF-style: chr17-42787813-G-A. GRCh37 (hg19) VCF-style: chr17-40939831-G-A.
Other names: c.1777G>A (NM_032387.4); c.769G>A, p.Gly257Ser (NM_001321299.2); short protein forms G257S, G593S.
Identifiers: ClinVar variation 3582022 (VCV003582022.3).
Genomic context (GRCh38, chr17:42,787,813, plus strand): 5'-TTTGATCCTCTCCCTCCCCAACCAGCGGATTGCGAGACTGATGGCTACCTCAGCTCCTCC[G>A]GCTTCCTGGATGCCTCAGACCCTGCCCTTCAGCCCCCTGGGGGGGTGCCATCCAGCCTGG-3'
Protein context (NP_115763.2, residues 583-603): CETDGYLSSS[Gly593Ser]FLDASDPALQ